The following is an entry in ClinVar:

NM_152524.6(SGO2):c.1946A>G (p.Lys649Arg)

Gene: SGO2 (shugoshin 2; plus strand). Cytogenetic location: 2q33.1.
Variant type: single nucleotide variant.
Coding change: c.1946A>G on transcript NM_152524.6 (MANE Select); coding-DNA position 1946, A replaced by G.
Protein change: p.Lys649Arg; replaces lysine 649 with arginine.
Molecular consequence: missense variant.
Genome position (GRCh38, 1-based): chr2:200,572,292, A>G. VCF-style: chr2-200572292-A-G. GRCh37 (hg19) VCF-style: chr2-201437015-A-G.
Other names: c.1946A>G, p.Lys649Arg (NM_001160033.1, NM_001160046.1); short protein forms K649R.
Identifiers: ClinVar variation 2651811 (VCV002651811.24), dbSNP rs1559216992, ClinGen allele CA350258383.

ClinVar aggregate classification (germline): Likely benign (1 of 4 stars; one submission).

Allele frequency attached by ClinVar (database versions not stated): TOPMed below 0.00001.

Submission:

CeGaT Center for Human Genetics Tuebingen
Classification: Likely benign. Last evaluated: 2022-11-01. Review status: criteria provided, single submitter. Criteria: CeGaT Center For Human Genetics Tuebingen Variant Classification Criteria Version 2. Collection method: clinical testing. Allele origin: germline. Affected: yes. Observed: 1 variant allele.
Comment: SGO2: BP4